The following is an entry in ClinVar:

NM_001122752.2(SERPINI1):c.914A>C (p.Asp305Ala)

Gene: SERPINI1 (serpin family I member 1; plus strand). Cytogenetic location: 3q26.1.
Variant type: single nucleotide variant.
Coding change: c.914A>C on transcript NM_001122752.2 (MANE Select); coding-DNA position 914, A replaced by C.
Protein change: p.Asp305Ala; replaces aspartic acid 305 with alanine.
Molecular consequence: missense variant.
Genome position (GRCh38, 1-based): chr3:167,807,276, A>C. VCF-style: chr3-167807276-A-C. GRCh37 (hg19) VCF-style: chr3-167525064-A-C.
Other names: c.914A>C, p.Asp305Ala (NM_005025.5); short protein forms D305A.
Identifiers: ClinVar variation 534957 (VCV000534957.8), dbSNP rs756818970, ClinGen allele CA355157433.
Genomic context (GRCh38, chr3:167,807,276, plus strand): 5'-AATATTTTTCTCCCTATGTGTTCTCCAGGTTCACAGTGGAACAGGAAATTGATTTAAAAG[A>C]TGTTTTGAAGGCTCTTGGAATAACTGAAATTTTCATCAAAGATGCAAATTTGACAGGCCT-3'
Protein context (NP_001116224.1, residues 295-315): FTVEQEIDLK[Asp305Ala]VLKALGITEI

ClinVar aggregate classification (germline): Uncertain significance (1 of 4 stars; one submission).

Conditions:
Familial encephalopathy with neuroserpin inclusion bodies. Also called: ENCEPHALOPATHY, FAMILIAL, WITH COLLINS BODIES. Identifiers: Orphanet 85110, MedGen C1858680, MONDO:0011412, OMIM 604218.

gnomAD v4.1: 1 of 1,612,860 alleles (0.000062%); highest among the groups gnomAD compares: Non-Finnish European, 0.000085%; no homozygotes.

Submission:

Labcorp Genetics (formerly Invitae), Labcorp
Classification: Uncertain significance for Familial encephalopathy with neuroserpin inclusion bodies. Last evaluated: 2022-10-24. Review status: criteria provided, single submitter. Criteria: Invitae Variant Classification Sherloc (09022015). Collection method: clinical testing. Allele origin: germline.
Comment: In summary, the available evidence is currently insufficient to determine the role of this variant in disease. Therefore, it has been classified as a Variant of Uncertain Significance. Advanced modeling of protein sequence and biophysical properties (such as structural, functional, and spatial information, amino acid conservation, physicochemical variation, residue mobility, and thermodynamic stability) performed at Invitae indicates that this missense variant is not expected to disrupt SERPINI1 protein function. ClinVar contains an entry for this variant (Variation ID: 534957). This variant has not been reported in the literature in individuals affected with SERPINI1-related conditions. This variant is not present in population databases (gnomAD no frequency). This sequence change replaces aspartic acid, which is acidic and polar, with alanine, which is neutral and non-polar, at codon 305 of the SERPINI1 protein (p.Asp305Ala).